The following is an entry in ClinVar:

NM_001077365.2(POMT1):c.111G>C (p.Pro37=)

Gene: POMT1 (protein O-mannosyltransferase 1; plus strand). Cytogenetic location: 9q34.13.
Variant type: single nucleotide variant.
Coding change: c.111G>C on transcript NM_001077365.2 (MANE Select); coding-DNA position 111, G replaced by C.
Protein change: p.Pro37=; no amino-acid change (proline 37 retained).
Molecular consequence: synonymous variant. On other transcripts: 5 prime UTR variant (4), non-coding transcript variant (4), intron variant (9).
Genome position (GRCh38, 1-based): chr9:131,504,329, G>C. VCF-style: chr9-131504329-G-C. GRCh37 (hg19) VCF-style: chr9-134379716-G-C.
Other names: c.111G>C, p.Pro37= (NM_001136113.2, NM_001353193.2, NM_001353196.2 and 2 more transcripts); c.-134G>C (NM_001353195.2); c.-361G>C (NM_001353198.2); c.-83G>C (NM_001374692.1); c.-41G>C (NM_001374695.1); c.-41+1016G>C (NM_001353194.2); c.-72+1016G>C (NM_001374691.1); c.-41+1256G>C (NM_001374689.1, NM_001353197.2, NM_001077366.2 and 1 more transcripts); and 2 more.
Identifiers: ClinVar variation 386991 (VCV000386991.10), dbSNP rs761641734, ClinGen allele CA5293146.
Genomic context (GRCh38, chr9:131,504,329, plus strand): 5'-GAGCCTTGTGGCCCTGACTGGGATGGGGTTACTGAGCCGGCTGTGGCGACTCACCTACCC[G>C]CGGGCTGTGGTGTAAGCTAAATGACTCCATTCCCAGGGTGAATCTAGAATTGTACTTTGT-3'
Protein context (NP_001070833.1, residues 27-47): LLSRLWRLTY[Pro37=]RAVVFDEVYY

ClinVar aggregate classification (germline): Likely benign. Review status: criteria provided, multiple submitters, no conflicts (2 of 4 stars). 3 submissions from 3 submitters: Likely benign (3). Last evaluated 2025-08-31.

Conditions:
Autosomal recessive limb-girdle muscular dystrophy type 2K. Also called: MUSCULAR DYSTROPHY, LIMB-GIRDLE, TYPE 2K; MUSCULAR DYSTROPHY-DYSTROGLYCANOPATHY (LIMB-GIRDLE), TYPE C, 1. Identifiers: Orphanet 86812, MedGen C1836373, MONDO:0012248, OMIM 609308.
Walker-Warburg congenital muscular dystrophy. Also called: Muscular dystrophy-dystroglycanopathy, type A; Walker-Warburg syndrome. Identifiers: Orphanet 899, MedGen C0265221, MONDO:0000171.
Muscular dystrophy-dystroglycanopathy (congenital with impaired intellectual development), type B, 1. Also called: Muscular dystrophy-dystroglycanopathy (congenital with intellectual disability), type B1; MUSCULAR DYSTROPHY, CONGENITAL, POMT1-RELATED. Identifiers: MedGen C5436962, MONDO:0013159, OMIM 613155.

Allele frequency attached by ClinVar (database versions not stated): ExAC 0.00002; TOPMed 0.00002; gnomAD 0.00003.
gnomAD v4.1: 29 of 1,614,096 alleles (0.0018%); highest among the groups gnomAD compares: Non-Finnish European, 0.0023%; no homozygotes.

Submissions (3):

Labcorp Genetics (formerly Invitae), Labcorp
Classification: Likely benign for Muscular dystrophy-dystroglycanopathy (congenital with impaired intellectual development), type B, 1; Walker-Warburg congenital muscular dystrophy; Autosomal recessive limb-girdle muscular dystrophy type 2K. Last evaluated: 2025-08-31. Review status: criteria provided, single submitter. Criteria: Invitae Variant Classification Sherloc (09022015). Collection method: clinical testing. Allele origin: germline.

Blueprint Genetics
Classification: Likely benign. Last evaluated: 2024-09-10. Review status: criteria provided, single submitter. Criteria: ACMG Guidelines, 2015. Collection method: clinical testing. Allele origin: germline.

GeneDx
Classification: Likely benign. Last evaluated: 2016-07-06. Review status: criteria provided, single submitter. Criteria: GeneDx Variant Classification (06012015). Collection method: clinical testing. Allele origin: germline. Affected: yes.
Comment: This variant is considered likely benign or benign based on one or more of the following criteria: it is a conservative change, it occurs at a poorly conserved position in the protein, it is predicted to be benign by multiple in silico algorithms, and/or has population frequency not consistent with disease.